The following is an entry in ClinVar:

NM_206933.4(USH2A):c.14528G>A (p.Arg4843Lys)

Gene: USH2A (usherin; minus strand). Cytogenetic location: 1q41.
Variant type: single nucleotide variant.
Coding change: c.14528G>A on transcript NM_206933.4 (MANE Select); coding-DNA position 14528, G replaced by A.
Protein change: p.Arg4843Lys; replaces arginine 4843 with lysine.
Molecular consequence: missense variant.
Genome position (GRCh38, 1-based): chr1:215,648,582, C>T on the plus strand (G>A on the coding strand, the complement: USH2A is on the minus strand). VCF-style: chr1-215648582-C-T. GRCh37 (hg19) VCF-style: chr1-215821924-C-T.
Other names: short protein forms R4843K.
Identifiers: ClinVar variation 1439098 (VCV001439098.3), dbSNP rs768433165, ClinGen allele CA1393004.

ClinVar aggregate classification (germline): Uncertain significance (1 of 4 stars; one submission).

Allele frequency attached by ClinVar (database versions not stated): gnomAD exomes 0.00001 and 0.00002; ExAC 0.00002; gnomAD 0.00002; TOPMed 0.00003.
gnomAD v4.1: 17 of 1,614,074 alleles (0.0011%); highest among the groups gnomAD compares: Non-Finnish European, 0.0013%; no homozygotes.

Submission:

Labcorp Genetics (formerly Invitae), Labcorp
Classification: Uncertain significance. Last evaluated: 2022-06-13. Review status: criteria provided, single submitter. Criteria: Invitae Variant Classification Sherloc (09022015). Collection method: clinical testing. Allele origin: germline.
Comment: This sequence change replaces arginine, which is basic and polar, with lysine, which is basic and polar, at codon 4843 of the USH2A protein (p.Arg4843Lys). This variant is present in population databases (rs768433165, gnomAD 0.004%). This variant has not been reported in the literature in individuals affected with USH2A-related conditions. Algorithms developed to predict the effect of missense changes on protein structure and function are either unavailable or do not agree on the potential impact of this missense change (SIFT: "Deleterious"; PolyPhen-2: "Benign"; Align-GVGD: "Class C0"). In summary, the available evidence is currently insufficient to determine the role of this variant in disease. Therefore, it has been classified as a Variant of Uncertain Significance.